The following is an entry in ClinVar:

NM_002911.4(UPF1):c.2151C>T (p.Tyr717=)

Gene: UPF1 (UPF1 RNA helicase and ATPase; plus strand). Cytogenetic location: 19p13.11.
Variant type: single nucleotide variant.
Coding change: c.2151C>T on transcript NM_002911.4 (MANE Select); coding-DNA position 2151, C replaced by T.
Protein change: p.Tyr717=; no amino-acid change (tyrosine 717 retained).
Molecular consequence: synonymous variant.
Genome position (GRCh38, 1-based): chr19:18,857,502, C>T. VCF-style: chr19-18857502-C-T. GRCh37 (hg19) VCF-style: chr19-18968311-C-T.
Other names: c.2184C>T, p.Tyr728= (NM_001297549.2).
Identifiers: ClinVar variation 5039944 (VCV005039944.1).

ClinVar aggregate classification (germline): Likely benign (1 of 4 stars; one submission).

gnomAD v4.1: 30 of 1,613,706 alleles (0.0019%); highest among the groups gnomAD compares: African/African-American, 0.012%; no homozygotes.

Submission:

CeGaT Center for Human Genetics Tuebingen
Classification: Likely benign. Last evaluated: 2026-07-01. Review status: criteria provided, single submitter. Criteria: CeGaT Center For Human Genetics Tuebingen Variant Classification Criteria Version 2. Collection method: clinical testing. Allele origin: germline. Affected: yes. Observed: 1 variant allele.
Comment: UPF1: BP4, BP7